The following is an entry in ClinVar:

ClinVar aggregate classification (germline): Uncertain significance. Review status: criteria provided, multiple submitters, no conflicts (2 of 4 stars). 3 submissions from 3 submitters: Uncertain significance (3). Last evaluated 2024-04-29.

Conditions:
Inborn genetic diseases. Identifiers: MedGen C0950123, MeSH D030342.

Allele frequency attached by ClinVar (database versions not stated): ExAC 0.00001; TOPMed 0.00001; gnomAD 0.00002; 1000 Genomes Project 30x 0.00016; 1000 Genomes Project 0.00020.

Submissions (3):

Labcorp Genetics (formerly Invitae), Labcorp
Classification: Uncertain significance. Last evaluated: 2024-04-29. Review status: criteria provided, single submitter. Criteria: Invitae Variant Classification Sherloc (09022015). Collection method: clinical testing. Allele origin: germline.
Comment: This sequence change replaces threonine, which is neutral and polar, with alanine, which is neutral and non-polar, at codon 297 of the LTBP2 protein (p.Thr297Ala). This variant is present in population databases (rs202042385, gnomAD 0.004%). This variant has not been reported in the literature in individuals affected with LTBP2-related conditions. ClinVar contains an entry for this variant (Variation ID: 1941488). An algorithm developed to predict the effect of missense changes on protein structure and function (PolyPhen-2) suggests that this variant is likely to be tolerated. In summary, the available evidence is currently insufficient to determine the role of this variant in disease. Therefore, it has been classified as a Variant of Uncertain Significance.

GeneDx
Classification: Uncertain significance. Last evaluated: 2023-11-18. Review status: criteria provided, single submitter. Criteria: GeneDx Variant Classification Process June 2021. Collection method: clinical testing. Allele origin: germline. Affected: yes.
Comment: In silico analysis supports that this missense variant does not alter protein structure/function; Has not been previously published as pathogenic or benign to our knowledge

Ambry Genetics
Classification: Uncertain significance for Inborn genetic diseases. Last evaluated: 2023-09-14. Review status: criteria provided, single submitter. Criteria: Ambry Variant Classification Scheme 2023. Collection method: clinical testing. Allele origin: germline.

NM_000428.3(LTBP2):c.889A>G (p.Thr297Ala)

Gene: LTBP2 (latent transforming growth factor beta binding protein 2; minus strand). Cytogenetic location: 14q24.3.
Variant type: single nucleotide variant.
Coding change: c.889A>G on transcript NM_000428.3 (MANE Select); coding-DNA position 889, A replaced by G.
Protein change: p.Thr297Ala; replaces threonine 297 with alanine.
Molecular consequence: missense variant.
Genome position (GRCh38, 1-based): chr14:74,555,635, T>C on the plus strand (A>G on the coding strand, the complement: LTBP2 is on the minus strand). VCF-style: chr14-74555635-T-C. GRCh37 (hg19) VCF-style: chr14-75022338-T-C.
Other names: c.889A>G (NM_000428.2); short protein forms T297A.
Identifiers: ClinVar variation 1941488 (VCV001941488.8), dbSNP rs202042385, ClinGen allele CA7270055.